The following is an entry in ClinVar:

ClinVar aggregate classification (germline): Conflicting classifications of pathogenicity. Review status: criteria provided, conflicting classifications (1 of 4 stars). 6 submissions from 6 submitters: Pathogenic (1); Likely pathogenic (2); Uncertain significance (2). 1 of the submissions does not count toward it. Last evaluated 2026-09-01.

Conditions:
Lissencephaly due to TUBA1A mutation (CDCBM16). Also called: CORTICAL DYSPLASIA, COMPLEX, WITH OTHER BRAIN MALFORMATIONS 16; Lissencephaly 3. Identifiers: Orphanet 171680, MedGen C4305153, MONDO:0012703, OMIM 611603.
Lissencephaly due to LIS1 mutation (LIS1). Also called: PAFAH1B1-Related Lissencephaly/Subcortical Band Heterotopia; Isolated Lissencephaly Sequence; PAFAH1B1-Associated Lissencephaly/Subcortical Band Heterotopia. Identifiers: Orphanet 95232, MedGen C4749301, MONDO:0011830, OMIM 607432.

Submissions (6):

CeGaT Center for Human Genetics Tuebingen
Classification: Likely pathogenic. Last evaluated: 2026-09-01. Review status: criteria provided, single submitter. Criteria: CeGaT Center For Human Genetics Tuebingen Variant Classification Criteria Version 2. Collection method: clinical testing. Allele origin: germline. Affected: yes. Observed: 1 variant allele.
Comment: TUBA1A: PS2, PM2, PP2

GeneDx
Classification: Pathogenic. Last evaluated: 2025-10-09. Review status: criteria provided, single submitter. Criteria: GeneDx Variant Classification Process June 2021. Collection method: clinical testing. Allele origin: germline.
Comment: Not observed at significant frequency in large population cohorts (gnomAD); Missense variants in this gene are a common cause of disease and they are underrepresented in the general population; In silico analysis supports that this missense variant has a deleterious effect on protein structure/function; Has not been previously published as pathogenic or benign to our knowledge

Labcorp Genetics (formerly Invitae), Labcorp
Classification: Uncertain significance. Last evaluated: 2024-09-05. Review status: criteria provided, single submitter. Criteria: Invitae Variant Classification Sherloc (09022015). Collection method: clinical testing. Allele origin: germline.
Comment: This sequence change replaces arginine, which is basic and polar, with glutamine, which is neutral and polar, at codon 121 of the TUBA1A protein (p.Arg121Gln). This variant is not present in population databases (gnomAD no frequency). This variant has not been reported in the literature in individuals affected with TUBA1A-related conditions. ClinVar contains an entry for this variant (Variation ID: 1174504). Invitae Evidence Modeling of protein sequence and biophysical properties (such as structural, functional, and spatial information, amino acid conservation, physicochemical variation, residue mobility, and thermodynamic stability) indicates that this missense variant is not expected to disrupt TUBA1A protein function with a negative predictive value of 80%. In summary, the available evidence is currently insufficient to determine the role of this variant in disease. Therefore, it has been classified as a Variant of Uncertain Significance.

Greenwood Genetic Center Diagnostic Laboratories, Greenwood Genetic Center
Classification: Likely pathogenic for Lissencephaly due to TUBA1A mutation. Last evaluated: 2023-06-19. Review status: criteria provided, single submitter. Criteria: ACMG Guidelines, 2015. Collection method: clinical testing. Allele origin: germline. Affected: yes.
Comment: PS2, PM1, PM2, PP2

MGZ Medical Genetics Center
Classification: Uncertain significance for Lissencephaly due to LIS1 mutation. Last evaluated: 2022-08-30. Review status: criteria provided, single submitter. Criteria: ACMG Guidelines, 2015. Collection method: clinical testing. Allele origin: germline. Affected: yes. Observed: 1 variant allele.
Comment: ACMG criteria applied: PS2_MOD, PM2_SUP, PP2, PP3

Clinical Genetics Laboratory, University Hospital Schleswig-Holstein
Classification: Uncertain significance for Lissencephaly due to TUBA1A mutation. Last evaluated: 2021-05-05. Review status: no assertion criteria provided. Collection method: clinical testing. Allele origin: germline. Affected: yes. Not counted in ClinVar's aggregate classification.

NM_006009.4(TUBA1A):c.362G>A (p.Arg121Gln)

Gene: TUBA1A (tubulin alpha 1a; minus strand). Cytogenetic location: 12q13.12.
Variant type: single nucleotide variant.
Coding change: c.362G>A on transcript NM_006009.4 (MANE Select); coding-DNA position 362, G replaced by A.
Protein change: p.Arg121Gln; replaces arginine 121 with glutamine.
Molecular consequence: missense variant.
Genome position (GRCh38, 1-based): chr12:49,186,323, C>T on the plus strand (G>A on the coding strand, the complement: TUBA1A is on the minus strand). VCF-style: chr12-49186323-C-T. GRCh37 (hg19) VCF-style: chr12-49580106-C-T.
Other names: c.362G>A (NM_006009.2); c.362G>A, p.Arg121Gln (NM_001270399.2); c.257G>A, p.Arg86Gln (NM_001270400.2); short protein forms R121Q, R86Q.
Identifiers: ClinVar variation 1174504 (VCV001174504.16), dbSNP rs2121246284, ClinGen allele CA384643040.